The following is an entry in ClinVar:

NM_001256545.2(MEGF10):c.2021C>T (p.Thr674Ile)

Gene: MEGF10 (multiple EGF like domains 10; plus strand). Cytogenetic location: 5q23.2.
Variant type: single nucleotide variant.
Coding change: c.2021C>T on transcript NM_001256545.2 (MANE Select); coding-DNA position 2021, C replaced by T.
Protein change: p.Thr674Ile; replaces threonine 674 with isoleucine.
Molecular consequence: missense variant.
Genome position (GRCh38, 1-based): chr5:127,435,406, C>T. VCF-style: chr5-127435406-C-T. GRCh37 (hg19) VCF-style: chr5-126771098-C-T.
Other names: c.2021C>T, p.Thr674Ile (NM_032446.3); short protein forms T674I.
Identifiers: ClinVar variation 962047 (VCV000962047.12), dbSNP rs139700339, ClinGen allele CA3391815.

ClinVar aggregate classification (germline): Uncertain significance. Review status: criteria provided, multiple submitters, no conflicts (2 of 4 stars). 2 submissions from 2 submitters: Uncertain significance (2). Last evaluated 2025-10-30.

Conditions:
Inborn genetic diseases. Identifiers: MedGen C0950123, MeSH D030342.
MEGF10-related myopathy (CMYO10A). Also called: Congenital myopathy 10A, severe variant. Identifiers: Orphanet 439212, MedGen C3280679, MONDO:0013731, OMIM 614399.

Allele frequency attached by ClinVar (database versions not stated): ExAC 0.00001; gnomAD 0.00001; gnomAD exomes 0.00001; TOPMed 0.00002; ESP Exome Variant Server 0.00008.
gnomAD v4.1: 11 of 1,613,992 alleles (0.00068%); highest among the groups gnomAD compares: Admixed American, 0.0033%; no homozygotes.

Submissions (2):

Ambry Genetics
Classification: Uncertain significance for Inborn genetic diseases. Last evaluated: 2025-10-30. Review status: criteria provided, single submitter. Criteria: Ambry Variant Classification Scheme 2023. Collection method: clinical testing. Allele origin: germline.

Labcorp Genetics (formerly Invitae), Labcorp
Classification: Uncertain significance for MEGF10-related myopathy. Last evaluated: 2022-06-27. Review status: criteria provided, single submitter. Criteria: Invitae Variant Classification Sherloc (09022015). Collection method: clinical testing. Allele origin: germline.
Comment: In summary, the available evidence is currently insufficient to determine the role of this variant in disease. Therefore, it has been classified as a Variant of Uncertain Significance. Algorithms developed to predict the effect of missense changes on protein structure and function are either unavailable or do not agree on the potential impact of this missense change (SIFT: "Deleterious"; PolyPhen-2: "Benign"; Align-GVGD: "Class C25"). ClinVar contains an entry for this variant (Variation ID: 962047). This variant has not been reported in the literature in individuals affected with MEGF10-related conditions. This variant is present in population databases (rs139700339, gnomAD 0.003%). This sequence change replaces threonine, which is neutral and polar, with isoleucine, which is neutral and non-polar, at codon 674 of the MEGF10 protein (p.Thr674Ile).